The following is an entry in ClinVar:

ClinVar aggregate classification (germline): Pathogenic (3 of 4 stars; one submission).

Conditions:
Glanzmann thrombasthenia. Also called: PLATELET GLYCOPROTEIN IIb-IIIa DEFICIENCY; BLEEDING DISORDER, PLATELET-TYPE, 2; THROMBASTHENIA OF GLANZMANN AND NAEGELI; Thrombasthenia; Glanzmann's thrombasthenia. Identifiers: Orphanet 849, MedGen C0040015, MONDO:0100326.

Submission:

ClinGen Platelet Disorders Variant Curation Expert Panel, ClinGen
Classification: Pathogenic for Glanzmann thrombasthenia. Last evaluated: 2022-11-15. Review status: reviewed by expert panel. Criteria: ClinGen Platelet ACMG Specifications v2-1. Collection method: curation. Allele origin: germline. Inheritance: Autosomal recessive inheritance.
Comment: The NM_000419.5(ITGA2B):c.97A>G (p.Asn33Asp) missense variant has been reported in four homozygous siblings (patients 2, 4, 6, and 9 PMID:21029361; PM3_supporting). All siblings displayed abnormal bleeding and one sibling tested for platelet aggregation demonstrated impaired response to agonists, with a normal response to ristocetin, which is characteristic of GT. Three of the siblings, including the proband, demonstrated absent platelet αIIbβ3 surface expression measured by flow cytometry (PP4_strong, PP1_strong). In Silico predictor revealed a REVEL score of 0.773, predicting a pathogenic effect (PP3). The variant is not found in gnomAD v2.1.1 (PM2_supporting). In BHK cells transfected with the p.Asn33Asp variant, surface expression of αIIbβ3 was absent (PS3). In summary, this variant meets the criteria to be classified as pathogenic for autosomal recessive Glanzmann thrombasthenia based on the ACMG/AMP criteria applied, as specified by the ClinGen PD VCEP: PP4_strong, PP1_strong, PP3, PS3, PM2_supporting, and PM3_supporting.

NM_000419.5(ITGA2B):c.97A>G (p.Asn33Asp)

Gene: ITGA2B (integrin subunit alpha 2b; minus strand). Cytogenetic location: 17q21.31.
Variant type: single nucleotide variant.
Coding change: c.97A>G on transcript NM_000419.5 (MANE Select); coding-DNA position 97, A replaced by G.
Protein change: p.Asn33Asp; replaces asparagine 33 with aspartic acid.
Molecular consequence: missense variant.
Genome position (GRCh38, 1-based): chr17:44,389,377, T>C on the plus strand (A>G on the coding strand, the complement: ITGA2B is on the minus strand). VCF-style: chr17-44389377-T-C. GRCh37 (hg19) VCF-style: chr17-42466745-T-C.
Other names: NM_000419.5:c.97A>G; short protein forms N33D.
Identifiers: ClinVar variation 1879065 (VCV001879065.1), dbSNP rs2510088109, ClinGen allele CA399806951.
Genomic context (GRCh38, chr17:44,389,377, plus strand): 5'-AAAATCCAAACTGGCTGCCATTGGGGCCTGCATAGAAGGTGAGCTGCACTGGGTCCAGGT[T>C]CAAGGCCCAGGCTGGAGGGGCAGCACAAGGTCCCAAGAGCAGCAGCACCCACTCCAGAAG-3'
Protein context (NP_000410.2, residues 23-43): PCAAPPAWAL[Asn33Asp]LDPVQLTFYA